The following is an entry in ClinVar:

ClinVar aggregate classification (germline): Uncertain significance. Review status: criteria provided, multiple submitters, no conflicts (2 of 4 stars). 2 submissions from 2 submitters: Uncertain significance (2). Last evaluated 2025-04-21.

Conditions:
Inborn genetic diseases. Identifiers: MedGen C0950123, MeSH D030342.

Allele frequency attached by ClinVar (database versions not stated): gnomAD 0.00001; gnomAD exomes 0.00001 and 0.00002; ExAC 0.00002; TOPMed 0.00002.
gnomAD v4.1: 15 of 1,614,050 alleles (0.00093%); highest among the groups gnomAD compares: Middle Eastern, 0.016%; no homozygotes.

Submissions (2):

Labcorp Genetics (formerly Invitae), Labcorp
Classification: Uncertain significance. Last evaluated: 2025-04-21. Review status: criteria provided, single submitter. Criteria: Invitae Variant Classification Sherloc (09022015). Collection method: clinical testing. Allele origin: germline.
Comment: This sequence change replaces glutamic acid, which is acidic and polar, with glycine, which is neutral and non-polar, at codon 618 of the NDUFS1 protein (p.Glu618Gly). This variant is present in population databases (rs753977755, gnomAD 0.003%). This variant has not been reported in the literature in individuals affected with NDUFS1-related conditions. ClinVar contains an entry for this variant (Variation ID: 1476812). Invitae Evidence Modeling of protein sequence and biophysical properties (such as structural, functional, and spatial information, amino acid conservation, physicochemical variation, residue mobility, and thermodynamic stability) has been performed for this missense variant. However, the output from this modeling did not meet the statistical confidence thresholds required to predict the impact of this variant on NDUFS1 protein function. In summary, the available evidence is currently insufficient to determine the role of this variant in disease. Therefore, it has been classified as a Variant of Uncertain Significance.

Ambry Genetics
Classification: Uncertain significance for Inborn genetic diseases. Last evaluated: 2023-05-28. Review status: criteria provided, single submitter. Criteria: Ambry Variant Classification Scheme 2023. Collection method: clinical testing. Allele origin: germline.

NM_005006.7(NDUFS1):c.1853A>G (p.Glu618Gly)

Gene: NDUFS1 (NADH:ubiquinone oxidoreductase core subunit S1; minus strand). Cytogenetic location: 2q33.3.
Variant type: single nucleotide variant.
Coding change: c.1853A>G on transcript NM_005006.7 (MANE Select); coding-DNA position 1853, A replaced by G.
Protein change: p.Glu618Gly; replaces glutamic acid 618 with glycine.
Molecular consequence: missense variant.
Genome position (GRCh38, 1-based): chr2:206,127,828, T>C on the plus strand (A>G on the coding strand, the complement: NDUFS1 is on the minus strand). VCF-style: chr2-206127828-T-C. GRCh37 (hg19) VCF-style: chr2-206992552-T-C.
Other names: c.1745A>G, p.Glu582Gly (NM_001199981.2); c.1520A>G, p.Glu507Gly (NM_001199982.2); c.1682A>G, p.Glu561Gly (NM_001199983.2); c.1895A>G, p.Glu632Gly (NM_001199984.2); c.1853A>G (NM_005006.6); short protein forms E561G, E582G, E618G, E632G, E507G.
Identifiers: ClinVar variation 1476812 (VCV001476812.12), dbSNP rs753977755, ClinGen allele CA2070340.
Genomic context (GRCh38, chr2:206,127,828, plus strand): 5'-ATCACTAAGAAATGACTCAGAAATTATACCTCAGAGAGTGCTCTTATAATTTTCCAGTCT[T>C]CTCTTGCCAAGCCAGGAGGTGTCACTGCTACCTTAGTCTGCTGAGCTCTACCCTCAGTGT-3'
Protein context (NP_004997.4, residues 608-628): VAVTPPGLAR[Glu618Gly]DWKIIRALSE